The following is an entry in ClinVar:

NM_016653.3(MAP3K20):c.1268A>G (p.Asp423Gly)

Genes: MAP3K20 (mitogen-activated protein kinase kinase kinase 20; plus strand), MAP3K20-AS1 (MAP3K20 antisense RNA 1; minus strand). Cytogenetic location: 2q31.1.
Variant type: single nucleotide variant.
Coding change: c.1268A>G on transcript NM_016653.3 (MANE Select); coding-DNA position 1268, A replaced by G.
Protein change: p.Asp423Gly; replaces aspartic acid 423 with glycine.
Molecular consequence: missense variant.
Genome position (GRCh38, 1-based): chr2:173,239,405, A>G. VCF-style: chr2-173239405-A-G. GRCh37 (hg19) VCF-style: chr2-174104133-A-G.
Other names: short protein forms D423G.
Identifiers: ClinVar variation 1367169 (VCV001367169.3), dbSNP rs2106337629, ClinGen allele CA349315934.

ClinVar aggregate classification (germline): Uncertain significance (1 of 4 stars; one submission).

Allele frequency attached by ClinVar (database versions not stated): gnomAD exomes 0.00001.
gnomAD v4.1: 8 of 1,610,860 alleles (0.0005%); highest among the groups gnomAD compares: Non-Finnish European, 0.00059%; no homozygotes.

Submission:

Labcorp Genetics (formerly Invitae), Labcorp
Classification: Uncertain significance. Last evaluated: 2022-06-20. Review status: criteria provided, single submitter. Criteria: Invitae Variant Classification Sherloc (09022015). Collection method: clinical testing. Allele origin: germline.
Comment: This sequence change replaces aspartic acid with glycine at codon 423 of the MAP3K20 protein (p.Asp423Gly). The aspartic acid residue is highly conserved and there is a moderate physicochemical difference between aspartic acid and glycine. This variant is not present in population databases (gnomAD no frequency). This variant has not been reported in the literature in individuals affected with MAP3K20-related conditions. Experimental studies and prediction algorithms are not available or were not evaluated, and the functional significance of this variant is currently unknown. In summary, the available evidence is currently insufficient to determine the role of this variant in disease. Therefore, it has been classified as a Variant of Uncertain Significance.